The following is an entry in ClinVar:

ClinVar aggregate classification (germline): Likely pathogenic (1 of 4 stars; one submission).

Conditions:
Hypophosphatasia. Also called: Phosphoethanol-aminuria. Identifiers: Orphanet 436, MedGen C0020630, MeSH D007014, MONDO:0018570.

Submission:

Genomenon, Inc
Classification: Likely pathogenic for Hypophosphatasia. Last evaluated: 2025-08-29. Review status: criteria provided, single submitter. Criteria: Genomenon Sequence Variant Interpretation Standards. Collection method: curation. Allele origin: germline. Affected: yes.
Comment: ALPL c.139A>C is a missense variant that changes the amino acid at residue 47 from Asparagine to Histidine. This variant has been observed in at least one proband affected with hypophosphatasia (PMID:36613725). It has been observed in trans with a pathogenic variant (PMID:36613725). It is absent or not present at a significant frequency in gnomAD. In conclusion, we classify ALPL p.Asn47His (c.139A>C) as a likely pathogenic variant.

Literature cited by the submitters: PubMed 36613725.

NM_000478.6(ALPL):c.139A>C (p.Asn47His)

Gene: ALPL (alkaline phosphatase, biomineralization associated; plus strand). Cytogenetic location: 1p36.12.
Variant type: single nucleotide variant.
Coding change: c.139A>C on transcript NM_000478.6 (MANE Select); coding-DNA position 139, A replaced by C.
Protein change: p.Asn47His; replaces asparagine 47 with histidine.
Molecular consequence: missense variant. On other transcripts: 5 prime UTR variant (1), synonymous variant (1).
Genome position (GRCh38, 1-based): chr1:21,560,703, A>C. VCF-style: chr1-21560703-A-C. GRCh37 (hg19) VCF-style: chr1-21887196-A-C.
Other names: c.-27A>C (NM_001127501.4); c.24A>C, p.Ser8= (NM_001177520.3); c.139A>C, p.Asn47His (NM_001369803.2, NM_001369804.2, NM_001369805.2); short protein forms N47H.
Identifiers: ClinVar variation 4086854 (VCV004086854.1).